The following is an entry in ClinVar:

NM_022725.4(FANCF):c.104T>G (p.Leu35Trp)

Gene: FANCF (FA complementation group F; minus strand). Cytogenetic location: 11p14.3.
Variant type: single nucleotide variant.
Coding change: c.104T>G on transcript NM_022725.4 (MANE Select); coding-DNA position 104, T replaced by G.
Protein change: p.Leu35Trp; replaces leucine 35 with tryptophan.
Molecular consequence: missense variant.
Genome position (GRCh38, 1-based): chr11:22,625,707, A>C on the plus strand (T>G on the coding strand, the complement: FANCF is on the minus strand). VCF-style: chr11-22625707-A-C. GRCh37 (hg19) VCF-style: chr11-22647253-A-C.
Other names: short protein forms L35W.
Identifiers: ClinVar variation 1500952 (VCV001500952.7), dbSNP rs2133798660, ClinGen allele CA380059698.

ClinVar aggregate classification (germline): Uncertain significance. Review status: criteria provided, multiple submitters, no conflicts (2 of 4 stars). 2 submissions from 2 submitters: Uncertain significance (2). Last evaluated 2021-10-13.

Conditions:
Fanconi anemia (FA). Also called: Fanconi's anemia. Identifiers: Orphanet 84, MedGen C0015625, MeSH D005199, MONDO:0019391.
Fanconi anemia complementation group F. Also called: FANCF-Related Fanconi Anemia. Identifiers: Orphanet 84, MedGen C3469526, MONDO:0011325, OMIM 603467.

Submissions (2):

Fulgent Genetics
Classification: Uncertain significance for Fanconi anemia complementation group F. Last evaluated: 2021-10-13. Review status: criteria provided, single submitter. Criteria: ACMG Guidelines, 2015. Collection method: clinical testing. Allele origin: unknown.

Labcorp Genetics (formerly Invitae), Labcorp
Classification: Uncertain significance for Fanconi anemia. Last evaluated: 2021-09-24. Review status: criteria provided, single submitter. Criteria: Invitae Variant Classification Sherloc (09022015). Collection method: clinical testing. Allele origin: germline.
Comment: In summary, the available evidence is currently insufficient to determine the role of this variant in disease. Therefore, it has been classified as a Variant of Uncertain Significance. This sequence change replaces leucine with tryptophan at codon 35 of the FANCF protein (p.Leu35Trp). The leucine residue is moderately conserved and there is a small physicochemical difference between leucine and tryptophan. This variant is not present in population databases (ExAC no frequency). This variant has not been reported in the literature in individuals affected with FANCF-related conditions. Algorithms developed to predict the effect of missense changes on protein structure and function are either unavailable or do not agree on the potential impact of this missense change (SIFT: "Deleterious"; PolyPhen-2: "Probably Damaging"; Align-GVGD: "Class C0").